The following is an entry in ClinVar:

NM_001017975.6(HFM1):c.494+10A>T

Gene: HFM1 (helicase for meiosis 1; minus strand). Cytogenetic location: 1p22.2.
Variant type: single nucleotide variant.
Coding change: c.494+10A>T on transcript NM_001017975.6 (MANE Select); 10 bases into the intron after coding-DNA position 494, A replaced by T.
Molecular consequence: intron variant.
Genome position (GRCh38, 1-based): chr1:91,394,083, T>A on the plus strand (A>T on the coding strand, the complement: HFM1 is on the minus strand). VCF-style: chr1-91394083-T-A. GRCh37 (hg19) VCF-style: chr1-91859640-T-A.
Identifiers: ClinVar variation 3058523 (VCV003058523.2), dbSNP rs1358725879, ClinGen allele CA524695998.

ClinVar aggregate classification (germline): Likely benign (0 of 4 stars; one submission).

Conditions:
HFM1-related disorder. Also called: HFM1-related condition.

gnomAD v4.1: 21 of 1,382,906 alleles (0.0015%); highest among the groups gnomAD compares: Non-Finnish European, 0.0021%; no homozygotes.

Submission:

PreventionGenetics, part of Exact Sciences
Classification: Likely benign for HFM1-related condition. Last evaluated: 2019-04-26. Review status: no assertion criteria provided. Collection method: clinical testing. Allele origin: germline.
Comment: This variant is classified as likely benign based on ACMG/AMP sequence variant interpretation guidelines (Richards et al. 2015 PMID: 25741868, with internal and published modifications).